The following is an entry in ClinVar:

NM_002693.3(POLG):c.1950-9T>C

Gene: POLG (DNA polymerase gamma, catalytic subunit; minus strand). Cytogenetic location: 15q26.1.
Variant type: single nucleotide variant.
Coding change: c.1950-9T>C on transcript NM_002693.3 (MANE Select); 9 bases into the intron before coding-DNA position 1950, T replaced by C.
Molecular consequence: intron variant.
Genome position (GRCh38, 1-based): chr15:89,324,236, A>G on the plus strand (T>C on the coding strand, the complement: POLG is on the minus strand). VCF-style: chr15-89324236-A-G. GRCh37 (hg19) VCF-style: chr15-89867467-A-G.
Other names: c.1950-9T>C (NM_001126131.2).
Identifiers: ClinVar variation 206461 (VCV000206461.11), dbSNP rs780378329, ClinGen allele CA316584.

ClinVar aggregate classification (germline): Benign/Likely benign. Review status: criteria provided, multiple submitters, no conflicts (2 of 4 stars). 4 submissions from 4 submitters: Benign (1); Likely benign (3). Last evaluated 2026-01-13.

Conditions:
Progressive sclerosing poliodystrophy (MTDPS4A). Also called: ALPERS DIFFUSE DEGENERATION OF CEREBRAL GRAY MATTER WITH HEPATIC CIRRHOSIS; Alpers-Huttenlocher Syndrome; ALPERS PROGRESSIVE INFANTILE POLIODYSTROPHY; NEURONAL DEGENERATION OF CHILDHOOD WITH LIVER DISEASE, PROGRESSIVE; Mitochondrial DNA Depletion Syndrome 4A; Alpers-Huttenlocher Syndrome (AHS). Identifiers: Orphanet 726, MedGen C0205710, MONDO:0008758, OMIM 203700.

Allele frequency attached by ClinVar (database versions not stated): gnomAD exomes 0.00002 and 0.00006; ExAC 0.00003; gnomAD 0.00005 and 0.00006; TOPMed 0.00006.
gnomAD v4.1: 92 of 1,611,710 alleles (0.0057%); highest among the groups gnomAD compares: Non-Finnish European, 0.0072%; no homozygotes.

Submissions (4):

Labcorp Genetics (formerly Invitae), Labcorp
Classification: Likely benign for Progressive sclerosing poliodystrophy. Last evaluated: 2026-01-13. Review status: criteria provided, single submitter. Criteria: Invitae Variant Classification Sherloc (09022015). Collection method: clinical testing. Allele origin: germline.

Athena Diagnostics
Classification: Likely benign. Last evaluated: 2024-10-09. Review status: criteria provided, single submitter. Criteria: Athena Diagnostics Criteria. Collection method: clinical testing. Allele origin: unknown.

Wong Mito Lab, Molecular and Human Genetics, Baylor College of Medicine
Classification: Likely benign for Progressive sclerosing poliodystrophy. Last evaluated: 2018-10-01. Review status: criteria provided, single submitter. Criteria: ACMG Guidelines, 2015. Collection method: clinical testing. Allele origin: germline.
Comment: The NM_002693.2:c.1950-9T>C (NP_002684.1:p.=) [GRCH38: NC_000015.10:g.89324236A>G] variant in POLG gene is interpretated to be a Likely Benign based on ACMG guidelines (PMID: 25741868). This variant meets the following evidence codes reported in the ACMG-guideline. BP4:Computational evidence/predictors indicate no impact on the POLG structure, function, or protein-protein interaction. BP6:Reputable source(s) without shared data suggest the variant is benign. Based on the evidence criteria codes applied, the variant is suggested to be Likely Benign.

GeneDx
Classification: Benign. Last evaluated: 2014-07-30. Review status: criteria provided, single submitter. Criteria: GeneDx Variant Classification (06012015). Collection method: clinical testing. Allele origin: germline. Affected: yes.
Comment: This variant is considered likely benign or benign based on one or more of the following criteria: it is a conservative change, it occurs at a poorly conserved position in the protein, it is predicted to be benign by multiple in silico algorithms, and/or has population frequency not consistent with disease.